The following is an entry in ClinVar:

ClinVar aggregate classification (germline): Uncertain significance (1 of 4 stars; one submission).

Conditions:
Developmental and epileptic encephalopathy, 53. Also called: Epileptic encephalopathy, early infantile, 53. Identifiers: MedGen C4479313, MONDO:0033362, OMIM 617389.
Early-onset Parkinson disease 20. Also called: PARKINSON DISEASE 20, AUTOSOMAL RECESSIVE EARLY-ONSET. Identifiers: Orphanet 391411, MedGen C3809824, MONDO:0014233, OMIM 615530.

Submission:

Labcorp Genetics (formerly Invitae), Labcorp
Classification: Uncertain significance for Developmental and epileptic encephalopathy, 53; Early-onset Parkinson disease 20. Last evaluated: 2020-11-11. Review status: criteria provided, single submitter. Criteria: Invitae Variant Classification Sherloc (09022015). Collection method: clinical testing. Allele origin: germline.
Comment: This variant has not been reported in the literature in individuals with SYNJ1-related conditions. In summary, the available evidence is currently insufficient to determine the role of this variant in disease. Therefore, it has been classified as a Variant of Uncertain Significance. Algorithms developed to predict the effect of missense changes on protein structure and function are either unavailable or do not agree on the potential impact of this missense change (SIFT: "Deleterious"; PolyPhen-2: "Possibly Damaging"; Align-GVGD: "Class C0"). This variant is not present in population databases (ExAC no frequency). This sequence change replaces lysine with threonine at codon 344 of the SYNJ1 protein (p.Lys344Thr). The lysine residue is highly conserved and there is a moderate physicochemical difference between lysine and threonine.

NM_203446.3(SYNJ1):c.914A>C (p.Lys305Thr)

Gene: SYNJ1 (synaptojanin 1; minus strand). Cytogenetic location: 21q22.11.
Variant type: single nucleotide variant.
Coding change: c.914A>C on transcript NM_203446.3 (MANE Select); coding-DNA position 914, A replaced by C.
Protein change: p.Lys305Thr; replaces lysine 305 with threonine.
Molecular consequence: missense variant.
Genome position (GRCh38, 1-based): chr21:32,687,012, T>G on the plus strand (A>C on the coding strand, the complement: SYNJ1 is on the minus strand). VCF-style: chr21-32687012-T-G. GRCh37 (hg19) VCF-style: chr21-34059322-T-G.
Other names: c.914A>C, p.Lys305Thr (NM_001160302.2, NM_001160306.2); c.1031A>C, p.Lys344Thr (NM_003895.4); short protein forms K344T, K305T.
Identifiers: ClinVar variation 1388390 (VCV001388390.8), dbSNP rs2146098903, ClinGen allele CA410093557.
Genomic context (GRCh38, chr21:32,687,012, plus strand): 5'-ATGAAATAAGAAATGACCATACTTACCTGGAAAGCTTTACTTAGCATATGTTCACCTTCC[T>G]TAGATCCAAGCAAATTTACTATTATTTGTTTACCATATAAGTTCTTAAGTGTTCTAAAAT-3'
Protein context (NP_982271.3, residues 295-315): KQIIVNLLGS[Lys305Thr]EGEHMLSKAF